The following is an entry in ClinVar:

ClinVar aggregate classification (germline): Uncertain significance (1 of 4 stars; one submission).

gnomAD v4.1: 1 of 1,614,154 alleles (0.000062%); highest among the groups gnomAD compares: Non-Finnish European, 0.000085%; no homozygotes.

Submission:

Labcorp Genetics (formerly Invitae), Labcorp
Classification: Uncertain significance. Last evaluated: 2024-07-15. Review status: criteria provided, single submitter. Criteria: Invitae Variant Classification Sherloc (09022015). Collection method: clinical testing. Allele origin: germline.
Comment: This sequence change replaces methionine, which is neutral and non-polar, with isoleucine, which is neutral and non-polar, at codon 402 of the CLCN6 protein (p.Met402Ile). This variant is not present in population databases (gnomAD no frequency). This variant has not been reported in the literature in individuals affected with CLCN6-related conditions. An algorithm developed to predict the effect of missense changes on protein structure and function outputs the following: PolyPhen-2: "Benign". The isoleucine amino acid residue is found in multiple mammalian species, which suggests that this missense change does not adversely affect protein function. In summary, the available evidence is currently insufficient to determine the role of this variant in disease. Therefore, it has been classified as a Variant of Uncertain Significance.

NM_001286.5(CLCN6):c.1206G>A (p.Met402Ile)

Gene: CLCN6 (chloride voltage-gated channel 6; plus strand). Cytogenetic location: 1p36.22.
Variant type: single nucleotide variant.
Coding change: c.1206G>A on transcript NM_001286.5 (MANE Select); coding-DNA position 1206, G replaced by A.
Protein change: p.Met402Ile; replaces methionine 402 with isoleucine.
Molecular consequence: missense variant. On other transcripts: non-coding transcript variant (1).
Genome position (GRCh38, 1-based): chr1:11,829,280, G>A. VCF-style: chr1-11829280-G-A. GRCh37 (hg19) VCF-style: chr1-11889337-G-A.
Other names: c.1140G>A, p.Met380Ile (NM_001256959.2); short protein forms M402I, M380I.
Identifiers: ClinVar variation 3630278 (VCV003630278.2).